The following is an entry in ClinVar:

ClinVar aggregate classification (germline): Benign/Likely benign. Review status: criteria provided, multiple submitters, no conflicts (2 of 4 stars). 3 submissions from 3 submitters: Benign (2); Likely benign (1). Last evaluated 2025-12-16.

Allele frequency attached by ClinVar (database versions not stated): gnomAD exomes 0.00057; ESP Exome Variant Server 0.00061; ExAC 0.00080; 1000 Genomes Project 30x 0.00094; 1000 Genomes Project 0.00100; gnomAD 0.00161 and 0.00173; TOPMed 0.00166.
gnomAD v4.1: 432 of 1,461,154 alleles (0.03%); highest among the groups gnomAD compares: African/African-American, 0.53%; 2 homozygotes.

Submissions (3):

Labcorp Genetics (formerly Invitae), Labcorp
Classification: Benign. Last evaluated: 2025-12-16. Review status: criteria provided, single submitter. Criteria: Invitae Variant Classification Sherloc (09022015). Collection method: clinical testing. Allele origin: germline.

CeGaT Center for Human Genetics Tuebingen
Classification: Likely benign. Last evaluated: 2022-06-01. Review status: criteria provided, single submitter. Criteria: CeGaT Center For Human Genetics Tuebingen Variant Classification Criteria Version 2. Collection method: clinical testing. Allele origin: germline. Affected: yes. Observed: 1 variant allele.
Comment: CPOX: BP4, BP7

Breakthrough Genomics
Classification: Benign. Review status: criteria provided, single submitter. Criteria: ACMG Guidelines, 2015. Collection method: not provided. Allele origin: germline. Inheritance: Autosomal recessive inheritance. Affected: yes.

NM_000097.7(CPOX):c.222G>A (p.Val74=)

Genes: CPOX (coproporphyrinogen oxidase; minus strand), LOC129937121 (ATAC-STARR-seq lymphoblastoid silent region 14560; plus strand). Cytogenetic location: 3q11.2.
Variant type: single nucleotide variant.
Coding change: c.222G>A on transcript NM_000097.7 (MANE Select); coding-DNA position 222, G replaced by A.
Protein change: p.Val74=; no amino-acid change (valine 74 retained).
Molecular consequence: synonymous variant.
Genome position (GRCh38, 1-based): chr3:98,593,283, C>T on the plus strand (G>A on the coding strand, the complement: CPOX is on the minus strand). VCF-style: chr3-98593283-C-T. GRCh37 (hg19) VCF-style: chr3-98312127-C-T.
Identifiers: ClinVar variation 732948 (VCV000732948.34), dbSNP rs368067440, ClinGen allele CA2511751.